The following is an entry in ClinVar:

ClinVar aggregate classification (germline): Uncertain significance. Review status: criteria provided, multiple submitters, no conflicts (2 of 4 stars). 4 submissions from 4 submitters: Uncertain significance (4). Last evaluated 2024-12-05.

Conditions:
Joubert syndrome. Also called: JOUBERT-BOLTSHAUSER SYNDROME; Familial aplasia of the vermis. Identifiers: Orphanet 475, MedGen C5979921, MONDO:0018772.
Inborn genetic diseases. Identifiers: MedGen C0950123, MeSH D030342.
Joubert syndrome 3 (JBTS3). Also called: AHI1-related Ciliopathy. Identifiers: Orphanet 220493, MedGen C1837713, MONDO:0012078, OMIM 608629.

Allele frequency attached by ClinVar (database versions not stated): gnomAD exomes 0.00001 and 0.00002; ExAC 0.00002; gnomAD 0.00006; TOPMed 0.00006; ESP Exome Variant Server 0.00016.
gnomAD v4.1: 36 of 1,613,652 alleles (0.0022%); highest among the groups gnomAD compares: Non-Finnish European, 0.0028%; no homozygotes.

Submissions (4):

Ambry Genetics
Classification: Uncertain significance for Inborn genetic diseases. Last evaluated: 2024-12-05. Review status: criteria provided, single submitter. Criteria: Ambry Variant Classification Scheme 2023. Collection method: clinical testing. Allele origin: germline.

Blueprint Genetics
Classification: Uncertain significance. Last evaluated: 2024-04-19. Review status: criteria provided, single submitter. Criteria: ACMG Guidelines, 2015. Collection method: clinical testing. Allele origin: germline.

Labcorp Genetics (formerly Invitae), Labcorp
Classification: Uncertain significance for Joubert syndrome. Last evaluated: 2024-01-29. Review status: criteria provided, single submitter. Criteria: Invitae Variant Classification Sherloc (09022015). Collection method: clinical testing. Allele origin: germline.
Comment: This sequence change replaces glutamic acid, which is acidic and polar, with glycine, which is neutral and non-polar, at codon 1069 of the AHI1 protein (p.Glu1069Gly). This variant is present in population databases (rs367640472, gnomAD 0.002%). This variant has not been reported in the literature in individuals affected with AHI1-related conditions. ClinVar contains an entry for this variant (Variation ID: 645894). Advanced modeling of protein sequence and biophysical properties (such as structural, functional, and spatial information, amino acid conservation, physicochemical variation, residue mobility, and thermodynamic stability) performed at Invitae indicates that this missense variant is expected to disrupt AHI1 protein function with a positive predictive value of 95%. In summary, the available evidence is currently insufficient to determine the role of this variant in disease. Therefore, it has been classified as a Variant of Uncertain Significance.

Fulgent Genetics
Classification: Uncertain significance for Joubert syndrome 3. Last evaluated: 2022-03-15. Review status: criteria provided, single submitter. Criteria: ACMG Guidelines, 2015. Collection method: clinical testing. Allele origin: unknown.

NM_001134831.2(AHI1):c.3206A>G (p.Glu1069Gly)

Gene: AHI1 (Abelson helper integration site 1; minus strand). Cytogenetic location: 6q23.3.
Variant type: single nucleotide variant.
Coding change: c.3206A>G on transcript NM_001134831.2 (MANE Select); coding-DNA position 3206, A replaced by G.
Protein change: p.Glu1069Gly; replaces glutamic acid 1069 with glycine.
Molecular consequence: missense variant.
Genome position (GRCh38, 1-based): chr6:135,323,284, T>C on the plus strand (A>G on the coding strand, the complement: AHI1 is on the minus strand). VCF-style: chr6-135323284-T-C. GRCh37 (hg19) VCF-style: chr6-135644422-T-C.
Other names: c.3206A>G, p.Glu1069Gly (NM_001134830.2, NM_001350503.2, NM_001350504.2 and 1 more transcripts); short protein forms E1069G.
Identifiers: ClinVar variation 645894 (VCV000645894.9), dbSNP rs367640472, ClinGen allele CA4012070.